The following is an entry in ClinVar:

ClinVar aggregate classification (germline): Conflicting classifications of pathogenicity. Review status: criteria provided, conflicting classifications (1 of 4 stars). 6 submissions from 6 submitters: Uncertain significance (1); Benign (2); Likely benign (2). 1 of the submissions does not count toward it. Last evaluated 2026-09-01.

Conditions:
Mucopolysaccharidosis, MPS-IV-A (MPS4A). Also called: Morquio syndrome A, mild; MORQUIO SYNDROME A; Mucopolysaccharidosis type IV A; MPS IVA; MORQUIO A DISEASE; mucopolysaccharidosis type 4A. Identifiers: Orphanet 309297, Orphanet 582, MedGen C0086651, MONDO:0009659, OMIM 253000.

Allele frequency attached by ClinVar (database versions not stated): ESP Exome Variant Server 0.00735; TOPMed 0.00896; 1000 Genomes Project 30x 0.00921; 1000 Genomes Project 0.00998; gnomAD 0.01005 and 0.01032; gnomAD exomes 0.01240; ExAC 0.01467.
gnomAD v4.1: 18,606 of 1,557,704 alleles (1.2%); highest among the groups gnomAD compares: East Asian, 1.6%; 143 homozygotes.

Submissions (6):

CeGaT Center for Human Genetics Tuebingen
Classification: Benign. Last evaluated: 2026-09-01. Review status: criteria provided, single submitter. Criteria: CeGaT Center For Human Genetics Tuebingen Variant Classification Criteria Version 2. Collection method: clinical testing. Allele origin: germline. Affected: yes. Observed: 9 variant alleles.
Comment: GALNS: BS1, BS2

Genome-Nilou Lab
Classification: Likely benign for Mucopolysaccharidosis, MPS-IV-A. Last evaluated: 2021-11-07. Review status: criteria provided, single submitter. Criteria: ACMG Guidelines, 2015. Collection method: clinical testing. Allele origin: germline. Affected: no.

Laboratory of Diagnosis and Therapy of Lysosomal Disorders, University of Padova
Classification: Uncertain significance for Mucopolysaccharidosis, MPS-IV-A. Last evaluated: 2021-02-01. Review status: criteria provided, single submitter. Criteria: ACMG Guidelines, 2015. Collection method: research. Allele origin: germline.
Comment: Allele frequency is greater than expected for disorder (BS1_strong)

GeneDx
Classification: Likely benign. Last evaluated: 2020-08-19. Review status: criteria provided, single submitter. Criteria: GeneDx Variant Classification Process June 2021. Collection method: clinical testing. Allele origin: germline. Affected: yes.

Illumina Laboratory Services, Illumina
Classification: Benign for Mucopolysaccharidosis, MPS-IV-A. Last evaluated: 2018-01-13. Review status: criteria provided, single submitter. Criteria: ICSL Variant Classification Criteria 13 December 2019. Collection method: clinical testing. Allele origin: germline.
Comment: This variant was observed in the ICSL laboratory as part of a predisposition screen in an ostensibly healthy population. It had not been previously curated by ICSL or reported in the Human Gene Mutation Database (HGMD: prior to June 1st, 2018), and was therefore a candidate for classification through an automated scoring system. Utilizing variant allele frequency, disease prevalence and penetrance estimates, and inheritance mode, an automated score was calculated to assess if this variant is too frequent to cause the disease. Based on the score and internal cut-off values, a variant classified as benign is not then subjected to further curation. The score for this variant resulted in a classification of benign for this disease.

Mayo Clinic Laboratories, Mayo Clinic
Classification: Benign. Last evaluated: 2017-04-21. Review status: no assertion criteria provided. Collection method: clinical testing. Allele origin: unknown. Not counted in ClinVar's aggregate classification.

Literature cited by the submitters: PubMed 34387910 (cited by Laboratory of Diagnosis and Therapy of Lysosomal Disorders, University of Padova).

NM_000512.5(GALNS):c.*3C>G

Gene: GALNS (galactosamine (N-acetyl)-6-sulfatase; minus strand). Cytogenetic location: 16q24.3.
Variant type: single nucleotide variant.
Coding change: c.*3C>G on transcript NM_000512.5 (MANE Select); 3 bases downstream of the stop codon, C replaced by G.
Molecular consequence: 3 prime UTR variant.
Genome position (GRCh38, 1-based): chr16:88,814,436, G>C on the plus strand (C>G on the coding strand, the complement: GALNS is on the minus strand). VCF-style: chr16-88814436-G-C. GRCh37 (hg19) VCF-style: chr16-88880844-G-C.
Other names: c.*3C>G (NM_001323543.2, NM_001323544.2).
Identifiers: ClinVar variation 321187 (VCV000321187.43), dbSNP rs77826920, ClinGen allele CA8234632.